The following is an entry in ClinVar:

NM_005506.4(SCARB2):c.469G>A (p.Glu157Lys)

Gene: SCARB2 (scavenger receptor class B member 2; minus strand). Cytogenetic location: 4q21.1.
Variant type: single nucleotide variant.
Coding change: c.469G>A on transcript NM_005506.4 (MANE Select); coding-DNA position 469, G replaced by A.
Protein change: p.Glu157Lys; replaces glutamic acid 157 with lysine.
Molecular consequence: missense variant. On other transcripts: intron variant (1).
Genome position (GRCh38, 1-based): chr4:76,179,660, C>T on the plus strand (G>A on the coding strand, the complement: SCARB2 is on the minus strand). VCF-style: chr4-76179660-C-T. GRCh37 (hg19) VCF-style: chr4-77100813-C-T.
Other names: c.276-3750G>A (NM_001204255.2); short protein forms E157K.
Identifiers: ClinVar variation 944150 (VCV000944150.5), dbSNP rs760128942, ClinGen allele CA99839011.

ClinVar aggregate classification (germline): Uncertain significance (1 of 4 stars; one submission).

Conditions:
Progressive myoclonic epilepsy. Also called: Myoclonus epilepsy; Progressive myoclonus epilepsy; Familial progressive myoclonic epilepsy; Myoclonic Epilepsies, Progressive. Identifiers: Orphanet 308, Orphanet 98261, MedGen C0751778, MONDO:0020074.

Allele frequency attached by ClinVar (database versions not stated): gnomAD 0.00001; gnomAD exomes 0.00001; TOPMed 0.00001.
gnomAD v4.1: 21 of 1,614,000 alleles (0.0013%); highest among the groups gnomAD compares: African/African-American, 0.0027%; no homozygotes.

Submission:

Labcorp Genetics (formerly Invitae), Labcorp
Classification: Uncertain significance for Progressive myoclonic epilepsy. Last evaluated: 2022-08-15. Review status: criteria provided, single submitter. Criteria: Invitae Variant Classification Sherloc (09022015). Collection method: clinical testing. Allele origin: germline.
Comment: This sequence change replaces glutamic acid, which is acidic and polar, with lysine, which is basic and polar, at codon 157 of the SCARB2 protein (p.Glu157Lys). This variant is present in population databases (rs760128942, gnomAD 0.01%). This variant has not been reported in the literature in individuals affected with SCARB2-related conditions. ClinVar contains an entry for this variant (Variation ID: 944150). Algorithms developed to predict the effect of missense changes on protein structure and function output the following: SIFT: "Tolerated"; PolyPhen-2: "Benign"; Align-GVGD: "Class C0". The lysine amino acid residue is found in multiple mammalian species, which suggests that this missense change does not adversely affect protein function. In summary, the available evidence is currently insufficient to determine the role of this variant in disease. Therefore, it has been classified as a Variant of Uncertain Significance.